The following is an entry in ClinVar:

ClinVar aggregate classification (germline): Pathogenic (1 of 4 stars; one submission).

Conditions:
Ehlers-Danlos syndrome, dermatosparaxis type. Also called: EDS VIIC; Dermatosparaxis; Ehlers-Danlos syndrome, type VII, autosomal recessive. Identifiers: Orphanet 1901, MedGen C2700425, MONDO:0009161, OMIM 225410.

Submission:

Myriad Genetics, Inc.
Classification: Pathogenic for Ehlers-Danlos syndrome, dermatosparaxis type. Last evaluated: 2024-05-14. Review status: criteria provided, single submitter. Criteria: Myriad Autosomal Dominant, Autosomal Recessive and X-Linked Classification Criteria (2023). Collection method: clinical testing. Allele origin: unknown.
Comment: NM_014244.4(ADAMTS2):c.66_67ins13(L23Yfs*47) is expected to be pathogenic in the context of Ehlers-Danlos syndrome, ADAMTS2-related. This variant is predicted to lead to an abnormal or absent protein product due to the creation of a premature termination codon in ADAMTS2, a gene where loss-of-function variants are known to be pathogenic. Please note: this variant was assessed in the context of healthy population screening.

NM_014244.5(ADAMTS2):c.66_67insTATAAGAGACAGT (p.Leu23fs)

Gene: ADAMTS2 (ADAM metallopeptidase with thrombospondin type 1 motif 2; minus strand). Cytogenetic location: 5q35.3.
Variant type: Insertion.
Coding change: c.66_67insTATAAGAGACAGT on transcript NM_014244.5 (MANE Select); coding-DNA positions 66 to 67, TATAAGAGACAGT inserted.
Protein change: p.Leu23fs; shifts the reading frame from leucine 23.
Molecular consequence: frameshift variant.
Genome position: GRCh38 VCF-style: chr5-179345262-G-GACTGTCTCTTATA. GRCh37 (hg19) VCF-style: chr5-178772263-G-GACTGTCTCTTATA.
Other names: c.66_67insTATAAGAGACAGT, p.Leu23fs (NM_021599.4); short protein forms L23fs.
Identifiers: ClinVar variation 5010376 (VCV005010376.1).